The following is an entry in ClinVar:

NM_003072.5(SMARCA4):c.859+6C>T

Gene: SMARCA4 (SWI/SNF related BAF chromatin remodeling complex subunit ATPase 4; plus strand). Cytogenetic location: 19p13.2.
Variant type: single nucleotide variant.
Coding change: c.859+6C>T on transcript NM_003072.5 (MANE Select); 6 bases into the intron after coding-DNA position 859, C replaced by T.
Molecular consequence: intron variant.
Genome position (GRCh38, 1-based): chr19:10,987,009, C>T. VCF-style: chr19-10987009-C-T. GRCh37 (hg19) VCF-style: chr19-11097685-C-T.
Other names: c.859+6C>T (NM_001128844.3, NM_001128849.3, NM_001128847.4 and 5 more transcripts).
Identifiers: ClinVar variation 537766 (VCV000537766.10), dbSNP rs1185878570, ClinGen allele CA631768333.
Genomic context (GRCh38, chr19:10,987,009, plus strand): 5'-CCCCCCGGGATGCCAGGCCAGCCTCCTGGAGGGCCTCCCAAGCCCTGGCCTGAAGGTGAG[C>T]TCCCTCTTCTATGGTGGTGCACCCGTGCCCTTACTCCCCATCTCAAGCTTGGGTCCTTGA-3'

ClinVar aggregate classification (germline): Conflicting classifications of pathogenicity. Review status: criteria provided, conflicting classifications (1 of 4 stars). 3 submissions from 3 submitters: Uncertain significance (1); Likely benign (2). Last evaluated 2026-07-06.

Conditions:
Rhabdoid tumor predisposition syndrome 2 (RTPS2). Identifiers: Orphanet 231108, Orphanet 69077, MedGen C2750074, MONDO:0013224, OMIM 613325.

Allele frequency attached by ClinVar (database versions not stated): gnomAD exomes below 0.00001.
gnomAD v4.1: 1 of 1,595,006 alleles (0.000063%); highest among the groups gnomAD compares: South Asian, 0.0011%; no homozygotes.

Submissions (3):

Myriad Genetics, Inc.
Classification: Likely benign for Rhabdoid tumor predisposition syndrome 2. Last evaluated: 2026-07-06. Review status: criteria provided, single submitter. Criteria: Myriad Autosomal Dominant, Autosomal Recessive and X-Linked Classification Criteria (2023). Collection method: clinical testing. Allele origin: unknown.
Comment: This variant is considered likely benign. This variant is intronic and is not expected to impact mRNA splicing.

Labcorp Genetics (formerly Invitae), Labcorp
Classification: Likely benign for Rhabdoid tumor predisposition syndrome 2. Last evaluated: 2026-01-26. Review status: criteria provided, single submitter. Criteria: Invitae Variant Classification Sherloc (09022015). Collection method: clinical testing. Allele origin: germline.

Quest Diagnostics Nichols Institute San Juan Capistrano
Classification: Uncertain significance. Last evaluated: 2024-05-20. Review status: criteria provided, single submitter. Criteria: Quest Diagnostics criteria. Collection method: clinical testing. Allele origin: unknown.
Comment: The SMARCA4 c.859+6C>T variant has not been reported in individuals with SMARCA4-related conditions in the published literature. It also has not been reported in large, multi-ethnic general populations (Genome Aggregation Database). Analysis of this variant using software algorithms for the prediction of the effect of nucleotide changes on splicing yielded predictions that this variant does not affect SMARCA4 mRNA splicing. Based on the available information, we are unable to determine the clinical significance of this variant.